The following is an entry in ClinVar:

GRCh38/hg38 22q11.21(chr22:18919477-21459713)x3

Genes: FAM230H (family with sequence similarity 230 member H; minus strand), FAM246A (family with sequence similarity 246 member A; minus strand), FAM246C (family with sequence similarity 246 member C (gene/pseudogene); plus strand), FAM247A (family with sequence similarity 247 member A; minus strand), GGT2 (gamma-glutamyltransferase 2; minus strand) and 181 more. Cytogenetic location: 22q11.21.
Variant type: copy number gain.
Change: copy number 3 (three copies instead of two) of chr22:18,919,477-21,459,713 (2.54 Mb, GRCh38 coordinates, 1-based), cytogenetic band 22q11.21.
Identifiers: ClinVar variation 4796394 (VCV004796394.1).

ClinVar aggregate classification (germline): Pathogenic (1 of 4 stars; one submission).

Submission:

Medical Genetic Center, Changzhi Maternal and Child Health Care Hospital
Classification: Pathogenic. Last evaluated: 2025-12-10. Review status: criteria provided, single submitter. Criteria: ACMG/ClinGen CNV Guidelines, 2019. Collection method: clinical testing. Allele origin: unknown.
Comment: 2A:22q11.2 recurrent (DGS/VCFS) region (proximal, A-D) (includes TBX1)